The following is an entry in ClinVar:

NM_004655.4(AXIN2):c.69G>C (p.Arg23=)

Gene: AXIN2 (axin 2; minus strand). Cytogenetic location: 17q24.1.
Variant type: single nucleotide variant.
Coding change: c.69G>C on transcript NM_004655.4 (MANE Select); coding-DNA position 69, G replaced by C.
Protein change: p.Arg23=; no amino-acid change (arginine 23 retained).
Molecular consequence: synonymous variant.
Genome position (GRCh38, 1-based): chr17:65,558,552, C>G on the plus strand (G>C on the coding strand, the complement: AXIN2 is on the minus strand). VCF-style: chr17-65558552-C-G. GRCh37 (hg19) VCF-style: chr17-63554670-C-G.
Other names: c.69G>C, p.Arg23= (NM_001363813.1).
Identifiers: ClinVar variation 2566141 (VCV002566141.3), dbSNP rs2144591586, ClinGen allele CA501691666.

ClinVar aggregate classification (germline): Benign/Likely benign. Review status: criteria provided, multiple submitters, no conflicts (2 of 4 stars). 2 submissions from 2 submitters: Benign (1); Likely benign (1). Last evaluated 2024-06-25.

Conditions:
Oligodontia-cancer predisposition syndrome. Also called: TOOTH AGENESIS-COLORECTAL CANCER SYNDROME. Identifiers: Orphanet 300576, MedGen C1837750, MONDO:0012075, OMIM 608615. Disease mechanism: loss of function.
Hereditary cancer-predisposing syndrome. Also called: Neoplastic Syndromes, Hereditary; Hereditary Cancer Syndrome; Hereditary neoplastic syndrome; Tumor predisposition. Identifiers: Orphanet 140162, MedGen C0027672, MeSH D009386, MONDO:0015356.

Submissions (2):

Myriad Genetics, Inc.
Classification: Benign for Oligodontia-cancer predisposition syndrome. Last evaluated: 2024-06-25. Review status: criteria provided, single submitter. Criteria: Myriad Autosomal Dominant, Autosomal Recessive and X-Linked Classification Criteria (2023). Collection method: clinical testing. Allele origin: unknown.
Comment: This variant is considered benign. This variant is a silent/synonymous amino acid change and it is not expected to impact splicing.

Ambry Genetics
Classification: Likely benign for Hereditary cancer-predisposing syndrome. Last evaluated: 2023-06-05. Review status: criteria provided, single submitter. Criteria: Ambry Variant Classification Scheme 2023. Collection method: clinical testing. Allele origin: germline.